The following is an entry in ClinVar:

ClinVar aggregate classification (germline): Conflicting classifications of pathogenicity. Review status: criteria provided, conflicting classifications (1 of 4 stars). 10 submissions from 10 submitters: Uncertain significance (8); Likely benign (1). 1 of the submissions does not count toward it. Last evaluated 2026-01-27.

Conditions:
ATM-related disorder. Also called: ATM-related disorders; ATM-related condition.
Hereditary cancer-predisposing syndrome. Also called: Neoplastic Syndromes, Hereditary; Tumor predisposition; Hereditary neoplastic syndrome; Hereditary Cancer Syndrome. Identifiers: Orphanet 140162, MedGen C0027672, MeSH D009386, MONDO:0015356.
Familial cancer of breast. Also called: Hereditary breast cancer; BREAST CANCER, FAMILIAL; hereditary breast carcinoma. Identifiers: Orphanet 227535, MedGen C0346153, MONDO:0016419, OMIM 114480. Disease mechanism: loss of function.
Ataxia-telangiectasia syndrome (AT). Also called: Cerebello-oculocutaneous telangiectasia; Immunodeficiency with ataxia telangiectasia; AT, COMPLEMENTATION GROUP C; LOUIS-BAR SYNDROME; Ataxia-telangiectasia, complementation group E; ATAXIA-TELANGIECTASIA, COMPLEMENTATION GROUP A. Identifiers: Orphanet 100, MedGen C0004135, MONDO:0008840, OMIM 208900.

Allele frequency attached by ClinVar (database versions not stated): gnomAD 0.00002; TOPMed 0.00002; ESP Exome Variant Server 0.00008.
gnomAD v4.1: 6 of 1,600,142 alleles (0.00037%); highest among the groups gnomAD compares: Non-Finnish European, 0.00051%; no homozygotes.

Submissions (10):

Labcorp Genetics (formerly Invitae), Labcorp
Classification: Uncertain significance for Ataxia-telangiectasia syndrome. Last evaluated: 2026-01-27. Review status: criteria provided, single submitter. Criteria: Invitae Variant Classification Sherloc (09022015). Collection method: clinical testing. Allele origin: germline.
Comment: This sequence change replaces arginine, which is basic and polar, with methionine, which is neutral and non-polar, at codon 173 of the ATM protein (p.Arg173Met). The frequency data for this variant in the population databases is considered unreliable, as metrics indicate poor data quality at this position in the gnomAD database. This variant has not been reported in the literature in individuals affected with ATM-related conditions. ClinVar contains an entry for this variant (Variation ID: 181909). Invitae Evidence Modeling of protein sequence and biophysical properties (such as structural, functional, and spatial information, amino acid conservation, physicochemical variation, residue mobility, and thermodynamic stability) indicates that this missense variant is not expected to disrupt ATM protein function with a negative predictive value of 95%. RNA analysis performed to evaluate the impact of this missense change on mRNA splicing indicates it does not significantly alter splicing (internal data). In summary, the available evidence is currently insufficient to determine the role of this variant in disease. Therefore, it has been classified as a Variant of Uncertain Significance.

PreventionGenetics, part of Exact Sciences
Classification: Uncertain significance for ATM-related condition. Last evaluated: 2025-08-19. Review status: criteria provided, single submitter. Criteria: ACMG Guidelines, 2015. Collection method: clinical testing. Allele origin: germline.
Comment: The ATM c.518G>T variant is predicted to result in the amino acid substitution p.Arg173Met. To our knowledge, this variant has not been reported in the literature. This variant is reported in 0.00098% of alleles in individuals of European (Non-Finnish) descent in gnomAD and has conflicting interpretations of pathogenicity in the ClinVar database ranging from uncertain to likely benign (Variation ID: 181909). At this time, the clinical significance of this variant is uncertain due to the absence of conclusive functional and genetic evidence.

Color Diagnostics, LLC DBA Color Health
Classification: Uncertain significance for Hereditary cancer-predisposing syndrome. Last evaluated: 2024-09-04. Review status: criteria provided, single submitter. Criteria: ACMG Guidelines, 2015. Collection method: clinical testing. Allele origin: germline.
Comment: This missense variant replaces arginine with methionine at codon 173 of the ATM protein. Computational prediction suggests that this variant may not impact protein structure and function. To our knowledge, functional studies have not been reported for this variant. This variant has not been reported in individuals affected with hereditary cancer in the literature. This variant has not been identified in the general population by the Genome Aggregation Database (gnomAD). The available evidence is insufficient to determine the role of this variant in disease conclusively. Therefore, this variant is classified as a Variant of Uncertain Significance.

Ambry Genetics
Classification: Likely benign for Hereditary cancer-predisposing syndrome. Last evaluated: 2024-08-06. Review status: criteria provided, single submitter. Criteria: Ambry Variant Classification Scheme 2023. Collection method: clinical testing. Allele origin: germline.

Fulgent Genetics
Classification: Uncertain significance for Familial cancer of breast; Ataxia-telangiectasia syndrome. Last evaluated: 2024-06-14. Review status: criteria provided, single submitter. Criteria: ACMG Guidelines, 2015. Collection method: clinical testing. Allele origin: germline.

GeneDx
Classification: Uncertain significance. Last evaluated: 2024-04-05. Review status: criteria provided, single submitter. Criteria: GeneDx Variant Classification Process June 2021. Collection method: clinical testing. Allele origin: germline. Affected: yes.
Comment: Not observed at significant frequency in large population cohorts (gnomAD); In silico analysis indicates that this missense variant does not alter protein structure/function; Has not been previously published as pathogenic or benign to our knowledge; In silico analysis is inconclusive as to whether the variant alters gene splicing. In the absence of RNA/functional studies, the actual effect of this sequence change is unknown.; This variant is associated with the following publications: (PMID: 28652578)

Women's Health and Genetics/Laboratory Corporation of America, LabCorp
Classification: Uncertain significance. Last evaluated: 2022-08-01. Review status: criteria provided, single submitter. Criteria: LabCorp Variant Classification Summary - May 2015. Collection method: clinical testing. Allele origin: germline.
Comment: Variant summary: ATM c.518G>T (p.Arg173Met) results in a non-conservative amino acid change in the encoded protein sequence. Four of five in-silico tools predict a benign effect of the variant on protein function. The variant allele was found at a frequency of 4.3e-06 in 232730 control chromosomes (gnomAD). The available data on variant occurrences in the general population are insufficient to allow any conclusion about variant significance. c.518G>T has not been reported in the literature in individuals affected with Ataxia-Telangiectasia, however it was also noted in healthy controls (Tiao_2017). This report does not provide unequivocal conclusions about association of the variant with Ataxia-Telangiectasia. To our knowledge, no experimental evidence demonstrating an impact on protein function has been reported. Seven clinical diagnostic laboratories have submitted clinical-significance assessments for this variant to ClinVar after 2014 without evidence for independent evaluation. All laboratories classified the variant as uncertain significance. Based on the evidence outlined above, the variant was classified as uncertain significance.

Sema4
Classification: Uncertain significance for Hereditary cancer-predisposing syndrome. Last evaluated: 2021-08-09. Review status: criteria provided, single submitter. Criteria: Sema4 Curation Guidelines. Collection method: curation. Allele origin: germline.
Comment: The ATM c.518G>T (p.R173M) variant has not been reported in the literature to our knowledge. It was observed in 1/101838 chromosomes of the European (non-Finnish) subpopulation in the large and broad cohorts of the Genome Aggregation Database (PMID: 32461654) and has been reported in ClinVar (Variation ID 181909). In silico tools suggest the impact of the variant on protein function is benign, though these predictions have not been confirmed by functional studies. The evidence is insufficient to meet ACMG/AMP criteria for classifying the variant as benign or pathogenic. Thus, the clinical significance of this variant is currently uncertain.

Athena Diagnostics
Classification: Uncertain significance. Last evaluated: 2020-07-15. Review status: criteria provided, single submitter. Criteria: Athena Diagnostics Criteria. Collection method: clinical testing. Allele origin: unknown.

Natera, Inc.
Classification: Uncertain significance for Ataxia-telangiectasia. Last evaluated: 2020-07-15. Review status: no assertion criteria provided. Collection method: clinical testing. Allele origin: germline. Not counted in ClinVar's aggregate classification.

Literature cited by the submitters: PubMed 28652578 (cited by Women's Health and Genetics/Laboratory Corporation of America, LabCorp).

NM_000051.4(ATM):c.518G>T (p.Arg173Met)

Gene: ATM (ATM serine/threonine kinase; plus strand). Cytogenetic location: 11q22.3.
Variant type: single nucleotide variant.
Coding change: c.518G>T on transcript NM_000051.4 (MANE Select); coding-DNA position 518, G replaced by T.
Protein change: p.Arg173Met; replaces arginine 173 with methionine.
Molecular consequence: missense variant.
Genome position (GRCh38, 1-based): chr11:108,243,974, G>T. VCF-style: chr11-108243974-G-T. GRCh37 (hg19) VCF-style: chr11-108114701-G-T.
Other names: p.R173M:AGG>ATG; c.518G>T, p.Arg173Met (NM_001351834.2); short protein forms R173M.
Identifiers: ClinVar variation 181909 (VCV000181909.40), dbSNP rs372694758, ClinGen allele CA298111.